The following is an entry in ClinVar:

NM_001009944.3(PKD1):c.10409_10410insT (p.Glu3470fs)

Gene: PKD1 (polycystin 1, transient receptor potential channel interacting; minus strand). Cytogenetic location: 16p13.3.
Variant type: Insertion.
Coding change: c.10409_10410insT on transcript NM_001009944.3 (MANE Select); coding-DNA positions 10409 to 10410, T inserted.
Protein change: p.Glu3470fs; shifts the reading frame from glutamic acid 3470.
Molecular consequence: frameshift variant.
Genome position: GRCh38 VCF-style: chr16-2097237-T-TA. GRCh37 (hg19) VCF-style: chr16-2147238-T-TA.
Other names: c.10406_10407insT, p.Glu3469fs (NM_000296.4); short protein forms E3469fs, E3470fs.
Identifiers: ClinVar variation 5038063 (VCV005038063.1).

ClinVar aggregate classification (germline): Pathogenic (1 of 4 stars; one submission).

Conditions:
Polycystic kidney disease, adult type (PKD1). Also called: Polycystic Kidney Disease 1, Autosomal Dominant; POLYCYSTIC KIDNEY DISEASE, ADULT, TYPE I; Polycystic kidney disease 1; Polycystic kidney disease 1, severe; POLYCYSTIC KIDNEY DISEASE 1 WITH OR WITHOUT POLYCYSTIC LIVER DISEASE; Polycystic Kidney, Autosomal Dominant. Identifiers: MedGen C3149841, MONDO:0008263, OMIM 173900.

Submission:

MVZ Medizinische Genetik Mainz
Classification: Pathogenic for Polycystic kidney disease, adult type. Last evaluated: 2026-09-16. Review status: criteria provided, single submitter. Criteria: UK Practice Guidelines For Variant Classification V4 01 2020. Collection method: clinical testing. Allele origin: germline. Inheritance: Autosomal dominant inheritance. Affected: yes. Observed: 1 variant allele.
Comment: ACMG Criteria: PVS1,PM2_SUP,PP4